The following is an entry in ClinVar:

ClinVar aggregate classification (germline): Uncertain significance (1 of 4 stars; one submission).

Submission:

Institute for Clinical Genetics, University Hospital TU Dresden, University Hospital TU Dresden
Classification: Uncertain significance. Last evaluated: 2023-07-13. Review status: criteria provided, single submitter. Criteria: ACMG Guidelines, 2015. Collection method: clinical testing. Allele origin: germline.
Comment: PP3, PM2_SUP

NM_000186.4(CFH):c.2156G>T (p.Cys719Phe)

Gene: CFH (complement factor H; plus strand). Cytogenetic location: 1q31.3.
Variant type: single nucleotide variant.
Coding change: c.2156G>T on transcript NM_000186.4 (MANE Select); coding-DNA position 2156, G replaced by T.
Protein change: p.Cys719Phe; replaces cysteine 719 with phenylalanine.
Molecular consequence: missense variant.
Genome position (GRCh38, 1-based): chr1:196,726,860, G>T. VCF-style: chr1-196726860-G-T. GRCh37 (hg19) VCF-style: chr1-196695990-G-T.
Other names: short protein forms C719F.
Identifiers: ClinVar variation 2576115 (VCV002576115.1), dbSNP rs2529504779, ClinGen allele CA343989570.
Genomic context (GRCh38, chr1:196,726,860, plus strand): 5'-ATGGCTGGGCCCAGCTTTCTTCCCCTCCTTATTACTATGGAGATTCAGTGGAATTCAATT[G>T]CTCAGAATCATTTACAATGATTGGACACAGATCAATTACGTGTATTCATGGAGTATGGAC-3'
Protein context (NP_000177.2, residues 709-729): YYYGDSVEFN[Cys719Phe]SESFTMIGHR